The following is an entry in ClinVar:

ClinVar aggregate classification (germline): Likely benign (1 of 4 stars; one submission).

Submission:

Mayo Clinic Laboratories, Mayo Clinic
Classification: Likely benign. Last evaluated: 2025-05-29. Review status: criteria provided, single submitter. Criteria: ACMG Guidelines, 2015. Collection method: clinical testing. Allele origin: germline. Observed: 1 variant allele.
Comment: BP4, BP7

NM_000292.3(PHKA2):c.1324+27T>C

Gene: PHKA2 (phosphorylase kinase regulatory subunit alpha 2; minus strand). Cytogenetic location: Xp22.13.
Variant type: single nucleotide variant.
Coding change: c.1324+27T>C on transcript NM_000292.3 (MANE Select); 27 bases into the intron after coding-DNA position 1324, T replaced by C.
Molecular consequence: intron variant.
Genome position (GRCh38, 1-based): chrX:18,929,201, A>G on the plus strand (T>C on the coding strand, the complement: PHKA2 is on the minus strand). VCF-style: chrX-18929201-A-G. GRCh37 (hg19) VCF-style: chrX-18947319-A-G.
Other names: p.?; c.1225+27T>C (NM_001440804.1, NM_001440803.1, NM_001440802.1); c.1324+27T>C (NM_001440801.1, NM_001440800.1, NM_001440805.1).
Identifiers: ClinVar variation 4684508 (VCV004684508.1).